The following is an entry in ClinVar:

NC_000001.10:g.(?_193091331)_(193111206_?)dup

Gene: CDC73 (cell division cycle 73; plus strand). Cytogenetic location: 1q31.2.
Variant type: Duplication.
Identifiers: ClinVar variation 3247703 (VCV003247703.1).

ClinVar aggregate classification (germline): Uncertain significance (1 of 4 stars; one submission).

Conditions:
Parathyroid carcinoma (PRTC). Also called: Parathyroid gland carcinoma; CDC73-Related Parathyroid Carcinoma. Identifiers: Orphanet 143, MedGen C0687150, MONDO:0012004, OMIM 608266, HP:0006780.

Submission:

Labcorp Genetics (formerly Invitae), Labcorp
Classification: Uncertain significance for Parathyroid carcinoma. Last evaluated: 2023-08-01. Review status: criteria provided, single submitter. Criteria: Invitae Variant Classification Sherloc (09022015). Collection method: clinical testing. Allele origin: unknown.
Comment: This variant results in a copy number gain of the genomic region encompassing exon(s) 1-7 of the CDC73 gene. This region includes the initiator codon of the gene. This copy number gain extends beyond the assayed region for this gene and therefore may encompass additional genes. As the precise location of this event is unknown, it may be in tandem or it may be located elsewhere in the genome. This variant has not been reported in the literature in individuals affected with CDC73-related conditions. In summary, the available evidence is currently insufficient to determine the role of this variant in disease. Therefore, it has been classified as a Variant of Uncertain Significance.